The following is an entry in ClinVar:

NM_001267550.2(TTN):c.22497_22498insTCAGCATCCAACCCACTTGGAACAACA (p.Thr7499_Ala7500insSerAlaSerAsnProLeuGlyThrThr)

Gene: TTN (titin; minus strand). Cytogenetic location: 2q31.2.
Variant type: Microsatellite.
Coding change: c.22497_22498insTCAGCATCCAACCCACTTGGAACAACA on transcript NM_001267550.2 (MANE Select); coding-DNA positions 22497 to 22498, TCAGCATCCAACCCACTTGGAACAACA inserted.
Protein change: p.Thr7499_Ala7500insSerAlaSerAsnProLeuGlyThrThr.
Molecular consequence: inframe insertion. On other transcripts: intron variant (3).
Genome position: GRCh38 VCF-style: chr2-178722289-C-CTGTTGTTCCAAGTGGGTTGGATGCTGA. GRCh37 (hg19) VCF-style: chr2-179587016-C-CTGTTGTTCCAAGTGGGTTGGATGCTGA.
Other names: c.21546_21547insTCAGCATCCAACCCACTTGGAACAACA, p.Thr7182_Ala7183insSerAlaSerAsnProLeuGlyThrThr (NM_001256850.1); c.18765_18766insTCAGCATCCAACCCACTTGGAACAACA, p.Thr6255_Ala6256insSerAlaSerAsnProLeuGlyThrThr (NM_133378.4); c.13282+15792_13282+15793insAACATCAGCATCCAACCCACTTGGAAC (NM_003319.4); c.13858+15792_13858+15793insAACATCAGCATCCAACCCACTTGGAAC (NM_133437.4); c.13657+15792_13657+15793insAACATCAGCATCCAACCCACTTGGAAC (NM_133432.3).
Identifiers: ClinVar variation 593962 (VCV000593962.10), dbSNP rs763282322.

ClinVar aggregate classification (germline): Uncertain significance. Review status: criteria provided, multiple submitters, no conflicts (2 of 4 stars). 5 submissions from 5 submitters: Uncertain significance (5). Last evaluated 2026-08-14.

Conditions:
TTN-related disorder. Also called: TTN-related condition; TTN-related disease; TTN-related disorders.

Submissions (5):

PreventionGenetics, part of Exact Sciences
Classification: Uncertain significance for TTN-related condition. Last evaluated: 2026-08-14. Review status: criteria provided, single submitter. Criteria: ACMG Guidelines, 2015. Collection method: clinical testing. Allele origin: germline.
Comment: The TTN c.22497_22498insTCAGCATCCAACCCACTTGGAACAACA variant is predicted to result in an in-frame amino acid insertion (p.Thr7499_Ala7500insSerAlaSerAsnProLeuGlyThrThr). To our knowledge, this variant has not been reported in the literature. This variant is reported in 0.0046% of alleles in individuals of European (Non-Finnish) descent in gnomAD. At this time, the clinical significance of this variant is uncertain due to the absence of conclusive functional and genetic evidence.

GeneDx
Classification: Uncertain significance. Last evaluated: 2026-03-17. Review status: criteria provided, single submitter. Criteria: GeneDx Variant Classification Process June 2021. Collection method: clinical testing. Allele origin: germline.
Comment: Has not been previously published as pathogenic or benign to our knowledge; Not observed at significant frequency in large population cohorts (gnomAD); In-frame insertion of 9 amino acids in a non-repeat region

Athena Diagnostics
Classification: Uncertain significance. Last evaluated: 2025-07-24. Review status: criteria provided, single submitter. Criteria: Athena Diagnostics Criteria. Collection method: clinical testing. Allele origin: unknown.
Comment: Available data are insufficient to determine the clinical significance of the variant at this time. The frequency of this variant in the general population is uninformative in assessment of its pathogenicity. Computational tools yielded predictions that this variant is unlikely to have an effect on normal RNA splicing.

Women's Health and Genetics/Laboratory Corporation of America, LabCorp
Classification: Uncertain significance. Last evaluated: 2025-05-30. Review status: criteria provided, single submitter. Criteria: LabCorp Variant Classification Summary - May 2015. Collection method: clinical testing. Allele origin: germline.
Comment: Variant summary: TTN c.18765_18766ins27, also known as c.18765_18766insTCAGCATCCAACCCACTTGGAACAACA (p.Thr6255_Ala6256insSerAlaSerAsnProLeuGlyThrThr) results in an in-frame insertion that is predicted to insert 9 amino acids into the encoded protein. The variant allele was found at a frequency of 2.1e-05 in 240122 control chromosomes. The available data on variant occurrences in the general population are insufficient to allow any conclusion about variant significance. To our knowledge, no occurrence of c.18765_18766ins27 in individuals affected with TTN-related conditions and no experimental evidence demonstrating its impact on protein function have been reported. ClinVar contains an entry for this variant (Variation ID: 593962). Based on the evidence outlined above, the variant was classified as uncertain significance.

Eurofins Ntd Llc (ga)
Classification: Uncertain significance. Last evaluated: 2017-09-27. Review status: criteria provided, single submitter. Criteria: EGL Classification Definitions 2015. Collection method: clinical testing. Allele origin: germline. Observed: 1 variant allele, 1 heterozygote.